The following is an entry in ClinVar:

ClinVar aggregate classification (germline): Uncertain significance. Review status: criteria provided, multiple submitters, no conflicts (2 of 4 stars). 2 submissions from 2 submitters: Uncertain significance (2). Last evaluated 2023-06-05.

Conditions:
Hereditary cancer-predisposing syndrome. Also called: Tumor predisposition; Hereditary Cancer Syndrome; Neoplastic Syndromes, Hereditary; Hereditary neoplastic syndrome. Identifiers: Orphanet 140162, MedGen C0027672, MeSH D009386, MONDO:0015356.
Multiple endocrine neoplasia, type 2 (MEN2). Identifiers: Orphanet 653, MedGen C4048306, MONDO:0019003. Disease mechanism: gain of function.

Allele frequency attached by ClinVar (database versions not stated): gnomAD 0.00001.

Submissions (2):

Labcorp Genetics (formerly Invitae), Labcorp
Classification: Uncertain significance for Multiple endocrine neoplasia, type 2. Last evaluated: 2023-06-05. Review status: criteria provided, single submitter. Criteria: Invitae Variant Classification Sherloc (09022015). Collection method: clinical testing. Allele origin: germline.
Comment: In summary, the available evidence is currently insufficient to determine the role of this variant in disease. Therefore, it has been classified as a Variant of Uncertain Significance. Algorithms developed to predict the effect of missense changes on protein structure and function output the following: SIFT: "Not Available"; PolyPhen-2: "Benign"; Align-GVGD: "Not Available". The arginine amino acid residue is found in multiple mammalian species, which suggests that this missense change does not adversely affect protein function. ClinVar contains an entry for this variant (Variation ID: 822958). This variant has not been reported in the literature in individuals affected with RET-related conditions. This variant is not present in population databases (gnomAD no frequency). This sequence change replaces serine, which is neutral and polar, with arginine, which is basic and polar, at codon 104 of the RET protein (p.Ser104Arg).

Ambry Genetics
Classification: Uncertain significance for Hereditary cancer-predisposing syndrome. Last evaluated: 2019-02-05. Review status: criteria provided, single submitter. Criteria: Ambry Variant Classification Scheme 2023. Collection method: clinical testing. Allele origin: germline.
Comment: The p.S104R variant (also known as c.312C>A), located in coding exon 2 of the RET gene, results from a C to A substitution at nucleotide position 312. The serine at codon 104 is replaced by arginine, an amino acid with dissimilar properties. This amino acid position is not well conserved in available vertebrate species. In addition, this alteration is predicted to be tolerated by in silico analysis. Since supporting evidence is limited at this time, the clinical significance of this alteration remains unclear.

NM_020975.6(RET):c.312C>A (p.Ser104Arg)

Gene: RET (ret proto-oncogene; plus strand). Cytogenetic location: 10q11.21.
Variant type: single nucleotide variant.
Coding change: c.312C>A on transcript NM_020975.6 (MANE Select); coding-DNA position 312, C replaced by A.
Protein change: p.Ser104Arg; replaces serine 104 with arginine.
Molecular consequence: missense variant.
Genome position (GRCh38, 1-based): chr10:43,100,697, C>A. VCF-style: chr10-43100697-C-A. GRCh37 (hg19) VCF-style: chr10-43596145-C-A.
Other names: c.312C>A, p.Ser104Arg (NM_000323.2, NM_001406743.1, NM_001406744.1 and 34 more transcripts); short protein forms S104R.
Identifiers: ClinVar variation 822958 (VCV000822958.9), dbSNP rs746378333, ClinGen allele CA376770548.
Genomic context (GRCh38, chr10:43,100,697, plus strand): 5'-CTGGATCTGCATCCAGGAGGACACCGGCCTCCTCTACCTTAACCGGAGCCTGGACCATAG[C>A]TCCTGGGAGAAGCTCAGTGTCCGCAGTAAGGGAGCCGCCCCAACACCCACCCCGTGCCCC-3'
Protein context (NP_066124.1, residues 94-114): LLYLNRSLDH[Ser104Arg]SWEKLSVRNR